The following is an entry in ClinVar:

NM_004260.4(RECQL4):c.2025C>G (p.His675Gln)

Gene: RECQL4 (RecQ like helicase 4; minus strand). Cytogenetic location: 8q24.3.
Variant type: single nucleotide variant.
Coding change: c.2025C>G on transcript NM_004260.4 (MANE Select); coding-DNA position 2025, C replaced by G.
Protein change: p.His675Gln; replaces histidine 675 with glutamine.
Molecular consequence: missense variant.
Genome position (GRCh38, 1-based): chr8:144,513,961, G>C on the plus strand (C>G on the coding strand, the complement: RECQL4 is on the minus strand). VCF-style: chr8-144513961-G-C. GRCh37 (hg19) VCF-style: chr8-145739345-G-C.
Other names: c.2025C>G (NM_004260.3); short protein forms H675Q.
Identifiers: ClinVar variation 1058664 (VCV001058664.6), dbSNP rs779458343, ClinGen allele CA372680285.

ClinVar aggregate classification (germline): Uncertain significance. Review status: criteria provided, multiple submitters, no conflicts (2 of 4 stars). 2 submissions from 2 submitters: Uncertain significance (2). Last evaluated 2025-02-03.

Conditions:
Inborn genetic diseases. Identifiers: MedGen C0950123, MeSH D030342.
Baller-Gerold syndrome (BGS). Also called: CRANIOSYNOSTOSIS WITH RADIAL DEFECTS. Identifiers: Orphanet 1225, MedGen C0265308, MONDO:0009039, OMIM 218600.

Allele frequency attached by ClinVar (database versions not stated): TOPMed below 0.00001; gnomAD 0.00001.

Submissions (2):

Ambry Genetics
Classification: Uncertain significance for Inborn genetic diseases. Last evaluated: 2025-02-03. Review status: criteria provided, single submitter. Criteria: Ambry Variant Classification Scheme 2023. Collection method: clinical testing. Allele origin: germline.
Comment: The p.H675Q variant (also known as c.2025C>G), located in coding exon 12 of the RECQL4 gene, results from a C to G substitution at nucleotide position 2025. The histidine at codon 675 is replaced by glutamine, an amino acid with highly similar properties. This amino acid position is conserved. In addition, this alteration is predicted to be tolerated by in silico analysis. Based on the available evidence, the clinical significance of this variant remains unclear.

Labcorp Genetics (formerly Invitae), Labcorp
Classification: Uncertain significance for Baller-Gerold syndrome. Last evaluated: 2022-07-30. Review status: criteria provided, single submitter. Criteria: Invitae Variant Classification Sherloc (09022015). Collection method: clinical testing. Allele origin: germline.
Comment: In summary, the available evidence is currently insufficient to determine the role of this variant in disease. Therefore, it has been classified as a Variant of Uncertain Significance. Experimental studies and prediction algorithms are not available or were not evaluated, and the functional significance of this variant is currently unknown. ClinVar contains an entry for this variant (Variation ID: 1058664). This variant has not been reported in the literature in individuals affected with RECQL4-related conditions. This variant is not present in population databases (gnomAD no frequency). This sequence change replaces histidine, which is basic and polar, with glutamine, which is neutral and polar, at codon 675 of the RECQL4 protein (p.His675Gln).